The following is an entry in ClinVar:

ClinVar aggregate classification (germline): Likely benign (1 of 4 stars; one submission).

Conditions:
KPTN-related disorder. Also called: KPTN-related condition. Identifiers: MedGen CN381532.

gnomAD v4.1: 15 of 1,611,656 alleles (0.00093%); highest among the groups gnomAD compares: Admixed American, 0.0067%; no homozygotes.

Submission:

PreventionGenetics, part of Exact Sciences
Classification: Likely benign for KPTN-related condition. Last evaluated: 2024-10-28. Review status: criteria provided, single submitter. Criteria: ACMG Guidelines, 2015. Collection method: clinical testing. Allele origin: germline.
Comment: This variant is classified as likely benign based on ACMG/AMP sequence variant interpretation guidelines (Richards et al. 2015 PMID: 25741868, with internal and published modifications).

NM_007059.4(KPTN):c.1143G>A (p.Glu381=)

Gene: KPTN (kaptin, actin binding protein; minus strand). Cytogenetic location: 19q13.32.
Variant type: single nucleotide variant.
Coding change: c.1143G>A on transcript NM_007059.4 (MANE Select); coding-DNA position 1143, G replaced by A.
Protein change: p.Glu381=; no amino-acid change (glutamic acid 381 retained).
Molecular consequence: synonymous variant. On other transcripts: non-coding transcript variant (1).
Genome position (GRCh38, 1-based): chr19:47,476,571, C>T on the plus strand (G>A on the coding strand, the complement: KPTN is on the minus strand). VCF-style: chr19-47476571-C-T. GRCh37 (hg19) VCF-style: chr19-47979828-C-T.
Other names: c.975G>A, p.Glu325= (NM_001291296.2).
Identifiers: ClinVar variation 4979357 (VCV004979357.1).